The following is an entry in ClinVar:

NM_001163435.3(TBCK):c.2542G>A (p.Val848Met)

Gene: TBCK (TBC1 domain containing kinase; minus strand). Cytogenetic location: 4q24.
Variant type: single nucleotide variant.
Coding change: c.2542G>A on transcript NM_001163435.3 (MANE Select); coding-DNA position 2542, G replaced by A.
Protein change: p.Val848Met; replaces valine 848 with methionine.
Molecular consequence: missense variant.
Genome position (GRCh38, 1-based): chr4:106,095,511, C>T on the plus strand (G>A on the coding strand, the complement: TBCK is on the minus strand). VCF-style: chr4-106095511-C-T. GRCh37 (hg19) VCF-style: chr4-107016668-C-T.
Other names: c.2542G>A, p.Val848Met (NM_001163436.4); c.2425G>A, p.Val809Met (NM_001163437.3); c.2026G>A, p.Val676Met (NM_001290768.2); c.2353G>A, p.Val785Met (NM_033115.5); c.2542G>A (NM_001163435.1); short protein forms V785M, V809M, V848M, V676M.
Identifiers: ClinVar variation 1508750 (VCV001508750.5), dbSNP rs369393998, ClinGen allele CA3034685.
Genomic context (GRCh38, chr4:106,095,511, plus strand): 5'-ATGTACATATGACATTTCTGAATATACTTACCTCAGCTGTGTGTTTTGCCACATGCCCCA[C>T]GATGACAATGACCTTCCCTTTGAAGTTCTGGAGCATAGCAGTGTAAGGGCCCTGGGTAAG-3'
Protein context (NP_001156907.2, residues 838-858): QNFKGKVIVI[Val848Met]GHVAKHTAEF

ClinVar aggregate classification (germline): Uncertain significance. Review status: criteria provided, multiple submitters, no conflicts (2 of 4 stars). 2 submissions from 2 submitters: Uncertain significance (2). Last evaluated 2025-01-06.

Conditions:
Inborn genetic diseases. Identifiers: MedGen C0950123, MeSH D030342.

Allele frequency attached by ClinVar (database versions not stated): gnomAD 0.00002; gnomAD exomes 0.00002; TOPMed 0.00002; ExAC 0.00003; ESP Exome Variant Server 0.00008.
gnomAD v4.1: 29 of 1,613,812 alleles (0.0018%); highest among the groups gnomAD compares: African/African-American, 0.004%; no homozygotes.

Submissions (2):

Labcorp Genetics (formerly Invitae), Labcorp
Classification: Uncertain significance. Last evaluated: 2025-01-06. Review status: criteria provided, single submitter. Criteria: Invitae Variant Classification Sherloc (09022015). Collection method: clinical testing. Allele origin: germline.
Comment: This sequence change replaces valine, which is neutral and non-polar, with methionine, which is neutral and non-polar, at codon 848 of the TBCK protein (p.Val848Met). This variant is present in population databases (rs369393998, gnomAD 0.004%). This variant has not been reported in the literature in individuals affected with TBCK-related conditions. ClinVar contains an entry for this variant (Variation ID: 1508750). Invitae Evidence Modeling of protein sequence and biophysical properties (such as structural, functional, and spatial information, amino acid conservation, physicochemical variation, residue mobility, and thermodynamic stability) indicates that this missense variant is not expected to disrupt TBCK protein function with a negative predictive value of 80%. In summary, the available evidence is currently insufficient to determine the role of this variant in disease. Therefore, it has been classified as a Variant of Uncertain Significance.

Ambry Genetics
Classification: Uncertain significance for Inborn genetic diseases. Last evaluated: 2023-03-24. Review status: criteria provided, single submitter. Criteria: Ambry Variant Classification Scheme 2023. Collection method: clinical testing. Allele origin: germline.